The following is an entry in ClinVar:

ClinVar aggregate classification (germline): Uncertain significance (1 of 4 stars; one submission).

Conditions:
ZTTK syndrome (ZTTKS). Also called: Zhu-Tokita-Takenouchi-Kim Syndrome; ZTTK MULTIPLE CONGENITAL ANOMALIES-MENTAL RETARDATION SYNDROME. Identifiers: Orphanet 500150, MedGen C4310696, MONDO:0014936, OMIM 617140.

Submission:

Illumina Laboratory Services, Illumina
Classification: Uncertain significance for ZTTK syndrome. Last evaluated: 2023-10-09. Review status: criteria provided, single submitter. Criteria: ISL SNV Classification Criteria 03 February 2026. Collection method: clinical testing. Allele origin: unknown.
Comment: The SON c.1910_1936del p.(Gly637_Pro645del) variant results in an in-frame deletion. To our knowledge, this variant has not been reported in the peer-reviewed literature. This variant is reported in the Genome Aggregation Database in one allele at a frequency of 0.000015 in the European (non-Finnish) population (version 3.1.2). Based on the available evidence, the c.1910_1936del p.(Gly637_Pro645del) variant is classified as a variant of uncertain significance for Zhu-Tokita-Takenouchi-Kim syndrome.

NM_138927.4(SON):c.1910_1936del (p.Gly637_Pro645del)

Gene: SON (SON DNA and RNA binding protein; plus strand). Cytogenetic location: 21q22.11.
Variant type: Deletion.
Coding change: c.1910_1936del on transcript NM_138927.4 (MANE Select); coding-DNA positions 1910 to 1936, 27 bases deleted (GGGCGCCAGAGTTGCCTGGGCAGCCTG).
Protein change: p.Gly637_Pro645del.
Molecular consequence: non-coding transcript variant (on NR_103797.2). On other transcripts: intron variant (1).
Genome position (GRCh38, 1-based): chr21:33,551,141-33,551,167, GGGCGCCAGAGTTGCCTGGGCAGCCTG deleted; deleting any 27 consecutive bases within chr21:33,551,131-33,551,167 gives the same sequence; the c. name uses the placement nearest the transcript's 3' end. VCF-style (leftmost placement, unchanged base first): chr21-33551130-AGGGCAGCCTGGGGCGCCAGAGTTGCCT-A. GRCh37 (hg19) VCF-style: chr21-34923436-AGGGCAGCCTGGGGCGCCAGAGTTGCCT-A.
Other names: c.1910_1936del, p.Gly637_Pro645del (NM_001291411.2, NM_032195.3); c.244+4762_244+4788del (NM_001291412.3).
Identifiers: ClinVar variation 4759450 (VCV004759450.1).